The following is an entry in ClinVar:

NM_002709.3(PPP1CB):c.745-3C>T

Gene: PPP1CB (protein phosphatase 1 catalytic subunit beta; plus strand). Cytogenetic location: 2p23.2.
Variant type: single nucleotide variant.
Coding change: c.745-3C>T on transcript NM_002709.3 (MANE Select); 3 bases into the intron before coding-DNA position 745, C replaced by T.
Molecular consequence: intron variant.
Genome position (GRCh38, 1-based): chr2:28,793,860, C>T. VCF-style: chr2-28793860-C-T. GRCh37 (hg19) VCF-style: chr2-29016726-C-T.
Other names: c.745-3C>T (NM_206876.2).
Identifiers: ClinVar variation 4862446 (VCV004862446.1).

ClinVar aggregate classification (germline): Uncertain significance (1 of 4 stars; one submission).

Conditions:
Cardiovascular phenotype. Identifiers: MedGen CN230736.

gnomAD v4.1: 1 of 1,613,434 alleles (0.000062%); highest among the groups gnomAD compares: Non-Finnish European, 0.000085%; no homozygotes.

Submission:

Ambry Genetics
Classification: Uncertain significance for Cardiovascular phenotype. Last evaluated: 2026-04-21. Review status: criteria provided, single submitter. Criteria: Ambry Variant Classification Scheme 2023. Collection method: clinical testing. Allele origin: germline.
Comment: The c.745-3C>T intronic variant results from a C to T substitution 3 nucleotides upstream from coding exon 7 in the PPP1CB gene. This nucleotide position is well conserved in available vertebrate species. In silico splice site analysis predicts that this alteration will not have any significant effect on splicing. Based on the available evidence, the clinical significance of this variant remains unclear.